The following is an entry in ClinVar:

NM_000098.3(CPT2):c.701T>C (p.Leu234Pro)

Gene: CPT2 (carnitine palmitoyltransferase 2; plus strand). Cytogenetic location: 1p32.3.
Variant type: single nucleotide variant.
Coding change: c.701T>C on transcript NM_000098.3 (MANE Select); coding-DNA position 701, T replaced by C.
Protein change: p.Leu234Pro; replaces leucine 234 with proline.
Molecular consequence: missense variant.
Genome position (GRCh38, 1-based): chr1:53,210,375, T>C. VCF-style: chr1-53210375-T-C. GRCh37 (hg19) VCF-style: chr1-53676047-T-C.
Other names: c.701T>C, p.Leu234Pro (NM_001330589.2); short protein forms L234P.
Identifiers: ClinVar variation 2638822 (VCV002638822.24), dbSNP rs2525587602, ClinGen allele CA340393357.

ClinVar aggregate classification (germline): Uncertain significance (1 of 4 stars; one submission).

Submission:

CeGaT Center for Human Genetics Tuebingen
Classification: Uncertain significance. Last evaluated: 2022-05-01. Review status: criteria provided, single submitter. Criteria: CeGaT Center For Human Genetics Tuebingen Variant Classification Criteria Version 2. Collection method: clinical testing. Allele origin: germline. Affected: yes. Observed: 1 variant allele.
Comment: CPT2: PM2